The following is an entry in ClinVar:

ClinVar aggregate classification (germline): Likely pathogenic (1 of 4 stars; one submission).

Conditions:
Diamond-Blackfan anemia 9 (DBA9). Also called: RPS10-Related Diamond-Blackfan Anemia. Identifiers: Orphanet 124, MedGen C2750081, MONDO:0013216, OMIM 613308.

Submission:

ARUP Laboratories, Molecular Genetics and Genomics, ARUP Laboratories
Classification: Likely pathogenic for Diamond-Blackfan anemia 9. Last evaluated: 2024-07-26. Review status: criteria provided, single submitter. Criteria: ARUP Molecular Germline Variant Investigation Process 2024. Collection method: clinical testing. Allele origin: germline.
Comment: The RPS10 c.323-1G>A variant, to our knowledge, is not reported in the medical literature or gene specific databases. This variant is also absent from the Genome Aggregation Database (v2.1.1), indicating it is not a common polymorphism. This variant disrupts the canonical splice acceptor site of intron 3, which is likely to negatively impact gene function. Based on available information, this variant is considered to be likely pathogenic.

NM_001014.5(RPS10):c.323-1G>A

Genes: RPS10 (ribosomal protein S10; minus strand), RPS10-NUDT3 (RPS10-NUDT3 readthrough; minus strand). Cytogenetic location: 6p21.31.
Variant type: single nucleotide variant.
Coding change: c.323-1G>A on transcript NM_001014.5 (MANE Select); the canonical splice acceptor site of the intron before coding-DNA position 323, G replaced by A.
Molecular consequence: splice acceptor variant.
Genome position (GRCh38, 1-based): chr6:34,421,808, C>T on the plus strand (G>A on the coding strand, the complement: RPS10 is on the minus strand). VCF-style: chr6-34421808-C-T. GRCh37 (hg19) VCF-style: chr6-34389585-C-T.
Other names: c.323-1G>A (NM_001202470.3, NM_001204091.2, NM_001203245.3).
Identifiers: ClinVar variation 3766746 (VCV003766746.1).